The following is an entry in ClinVar:

ClinVar aggregate classification (germline): Pathogenic (1 of 4 stars; one submission).

Conditions:
alpha Thalassemia. Also called: Alpha thalassemia spectrum. Identifiers: Orphanet 846, MedGen C0002312, MONDO:0011399, OMIM 604131.

Submission:

Rare Disease Research and Therapeutics Development Group, Institute of Molecular Genetics and Genetic Engineering, University of Belgrade
Classification: Pathogenic for alpha Thalassemia. Review status: criteria provided, single submitter. Criteria: ACMG/ClinGen CNV Guidelines, 2019. Collection method: research. Allele origin: germline. Affected: yes.
Comment: This ~860 kb deletion, involving the telomeric region of 16p, and encompassing not only the entire α-globin gene cluster, including HS-40 (associated with alpha thalassemia), but also the downstream LMF1gene and flanking intergenic regions. Deletions in this region of chromosome 16 are previously reported in several populations and are usually associated with severe abnormalities including developmental delay or cognitive disability. Previous studies suggested the critical region leading to abnormalities in addition to α-thalassaemia is an 800 kb region between ~0.9 and~1.7 Mb from the telomere of chromosome 16 p. although certain analysis suggested there is no critical region defining the degree of phenotypic abnormalities.

Literature cited by the submitters: DOI 10.1136/jmedgenet-2019-106528.

Single allele

Genes: ANTKMT (adenine nucleotide translocase lysine methyltransferase; plus strand), ARHGDIG (Rho GDP dissociation inhibitor gamma; plus strand), AXIN1 (axin 1; minus strand), CAPN15 (calpain 15; plus strand), CCDC78 (coiled-coil domain containing 78; minus strand) and 119 more. Cytogenetic location: 16p13.3.
Variant type: Deletion.
Identifiers: ClinVar variation 4887963 (VCV004887963.1).